The following is an entry in ClinVar:

ClinVar aggregate classification (germline): Uncertain significance. Review status: criteria provided, multiple submitters, no conflicts (2 of 4 stars). 2 submissions from 2 submitters: Uncertain significance (2). Last evaluated 2022-05-03.

gnomAD v4.1: 1 of 1,611,812 alleles (0.000062%); highest among the groups gnomAD compares: South Asian, 0.0011%; no homozygotes.

Submissions (2):

Blueprint Genetics
Classification: Uncertain significance. Last evaluated: 2022-05-03. Review status: criteria provided, single submitter. Criteria: ACMG Guidelines, 2015. Collection method: clinical testing. Allele origin: germline.

GeneDx
Classification: Uncertain significance. Last evaluated: 2019-04-03. Review status: criteria provided, single submitter. Criteria: GeneDx Variant Classification Process June 2021. Collection method: clinical testing. Allele origin: germline. Affected: yes.
Comment: Not observed in large population cohorts (Lek et al., 2016); In silico analysis, which includes protein predictors and evolutionary conservation, supports a deleterious effect; Has not been previously published as pathogenic or benign to our knowledge

NM_006017.3(PROM1):c.818T>A (p.Met273Lys)

Gene: PROM1 (prominin 1; minus strand). Cytogenetic location: 4p15.32.
Variant type: single nucleotide variant.
Coding change: c.818T>A on transcript NM_006017.3 (MANE Select); coding-DNA position 818, T replaced by A.
Protein change: p.Met273Lys; replaces methionine 273 with lysine.
Molecular consequence: missense variant.
Genome position (GRCh38, 1-based): chr4:16,018,507, A>T on the plus strand (T>A on the coding strand, the complement: PROM1 is on the minus strand). VCF-style: chr4-16018507-A-T. GRCh37 (hg19) VCF-style: chr4-16020130-A-T.
Other names: c.791T>A, p.Met264Lys (NM_001145847.2, NM_001145848.2, NM_001145851.2 and 4 more transcripts); c.818T>A, p.Met273Lys (NM_001145849.2, NM_001145850.2); short protein forms M264K, M273K.
Identifiers: ClinVar variation 1317823 (VCV001317823.3), dbSNP rs752090916, ClinGen allele CA356420353.